The following is an entry in ClinVar:

NM_004385.5(VCAN):c.9248C>T (p.Thr3083Met)

Genes: VCAN (versican; plus strand), VCAN-AS1 (VCAN antisense RNA 1; minus strand). Cytogenetic location: 5q14.3.
Variant type: single nucleotide variant.
Coding change: c.9248C>T on transcript NM_004385.5 (MANE Select); coding-DNA position 9248, C replaced by T.
Protein change: p.Thr3083Met; replaces threonine 3083 with methionine.
Molecular consequence: missense variant. On other transcripts: intron variant (2).
Genome position (GRCh38, 1-based): chr5:83,542,251, C>T. VCF-style: chr5-83542251-C-T. GRCh37 (hg19) VCF-style: chr5-82838070-C-T.
Other names: c.6287C>T, p.Thr2096Met (NM_001164097.2); c.4004-3286C>T (NM_001164098.2); c.1043-3286C>T (NM_001126336.3); short protein forms T2096M, T3083M.
Identifiers: ClinVar variation 1415695 (VCV001415695.6), dbSNP rs746105412, ClinGen allele CA3333935.

ClinVar aggregate classification (germline): Uncertain significance (1 of 4 stars; one submission).

Allele frequency attached by ClinVar (database versions not stated): ExAC 0.00002; gnomAD exomes 0.00002 and 0.00003; gnomAD 0.00003 and 0.00004; TOPMed 0.00005.
gnomAD v4.1: 29 of 1,612,982 alleles (0.0018%); highest among the groups gnomAD compares: African/African-American, 0.012%; no homozygotes.

Submission:

Labcorp Genetics (formerly Invitae), Labcorp
Classification: Uncertain significance. Last evaluated: 2026-01-25. Review status: criteria provided, single submitter. Criteria: Invitae Variant Classification Sherloc (09022015). Collection method: clinical testing. Allele origin: germline.
Comment: This sequence change replaces threonine, which is neutral and polar, with methionine, which is neutral and non-polar, at codon 3083 of the VCAN protein (p.Thr3083Met). This variant is present in population databases (rs746105412, gnomAD 0.02%). This missense change has been observed in individual(s) with clinical features of retinitis pigmentosa (internal data). ClinVar contains an entry for this variant (Variation ID: 1415695). An algorithm developed to predict the effect of missense changes on protein structure and function (PolyPhen-2) suggests that this variant is likely to be disruptive. In summary, the available evidence is currently insufficient to determine the role of this variant in disease. Therefore, it has been classified as a Variant of Uncertain Significance.